The following is an entry in ClinVar:

NM_001018115.3(FANCD2):c.3959A>G (p.His1320Arg)

Genes: FANCD2 (FA complementation group D2; plus strand), FANCD2OS (FANCD2 opposite strand; minus strand). Cytogenetic location: 3p25.3.
Variant type: single nucleotide variant.
Coding change: c.3959A>G on transcript NM_001018115.3 (MANE Select); coding-DNA position 3959, A replaced by G.
Protein change: p.His1320Arg; replaces histidine 1320 with arginine.
Molecular consequence: missense variant. On other transcripts: intron variant (1).
Genome position (GRCh38, 1-based): chr3:10,094,359, A>G. VCF-style: chr3-10094359-A-G. GRCh37 (hg19) VCF-style: chr3-10136043-A-G.
Other names: c.3959A>G, p.His1320Arg (NM_001319984.2, NM_033084.6); c.3848A>G, p.His1283Arg (NM_001374253.1); c.3920A>G, p.His1307Arg (NM_001374254.1); c.*43+9839T>C (NM_173472.2); short protein forms H1320R, H1283R, H1307R.
Identifiers: ClinVar variation 854048 (VCV000854048.12), dbSNP rs746501818, ClinGen allele CA2250573.

ClinVar aggregate classification (germline): Uncertain significance. Review status: criteria provided, multiple submitters, no conflicts (2 of 4 stars). 3 submissions from 3 submitters: Uncertain significance (3). Last evaluated 2025-07-13.

Conditions:
Fanconi anemia (FA). Also called: Fanconi's anemia. Identifiers: Orphanet 84, MedGen C0015625, MeSH D005199, MONDO:0019391.
Fanconi anemia complementation group D2. Also called: FANCD2-Related Fanconi Anemia; FANCONI PANCYTOPENIA, TYPE 4; FANCONI ANEMIA, COMPLEMENTATION GROUP D. Identifiers: Orphanet 84, MedGen C3160738, MONDO:0009214, OMIM 227646.

Allele frequency attached by ClinVar (database versions not stated): TOPMed 0.00001; gnomAD exomes 0.00002 and below 0.00001; ExAC 0.00002.
gnomAD v4.1: 5 of 1,613,128 alleles (0.00031%); highest among the groups gnomAD compares: East Asian, 0.0089%; no homozygotes.

Submissions (3):

Labcorp Genetics (formerly Invitae), Labcorp
Classification: Uncertain significance for Fanconi anemia. Last evaluated: 2025-07-13. Review status: criteria provided, single submitter. Criteria: Invitae Variant Classification Sherloc (09022015). Collection method: clinical testing. Allele origin: germline.
Comment: This sequence change replaces histidine, which is basic and polar, with arginine, which is basic and polar, at codon 1320 of the FANCD2 protein (p.His1320Arg). This variant is present in population databases (rs746501818, gnomAD 0.02%). This variant has not been reported in the literature in individuals affected with FANCD2-related conditions. ClinVar contains an entry for this variant (Variation ID: 854048). Invitae Evidence Modeling of protein sequence and biophysical properties (such as structural, functional, and spatial information, amino acid conservation, physicochemical variation, residue mobility, and thermodynamic stability) indicates that this missense variant is not expected to disrupt FANCD2 protein function with a negative predictive value of 80%. In summary, the available evidence is currently insufficient to determine the role of this variant in disease. Therefore, it has been classified as a Variant of Uncertain Significance.

Fulgent Genetics
Classification: Uncertain significance for Fanconi anemia complementation group D2. Last evaluated: 2021-11-05. Review status: criteria provided, single submitter. Criteria: ACMG Guidelines, 2015. Collection method: clinical testing. Allele origin: unknown.

Genetic Services Laboratory, University of Chicago
Classification: Uncertain significance. Last evaluated: 2019-03-22. Review status: criteria provided, single submitter. Criteria: ACMG Guidelines, 2015. Collection method: clinical testing. Allele origin: germline. Affected: no.